The following is an entry in ClinVar:

NM_001130987.2(DYSF):c.2692G>A (p.Glu898Lys)

Gene: DYSF (dysferlin; plus strand). Cytogenetic location: 2p13.2.
Variant type: single nucleotide variant.
Coding change: c.2692G>A on transcript NM_001130987.2 (MANE Select); coding-DNA position 2692, G replaced by A.
Protein change: p.Glu898Lys; replaces glutamic acid 898 with lysine.
Molecular consequence: missense variant.
Genome position (GRCh38, 1-based): chr2:71,568,077, G>A. VCF-style: chr2-71568077-G-A. GRCh37 (hg19) VCF-style: chr2-71795207-G-A.
Other names: c.2641G>A, p.Glu881Lys (NM_001130455.2, NM_001130983.2); c.2596G>A, p.Glu866Lys (NM_001130976.2, NM_001130977.2); c.2638G>A, p.Glu880Lys (NM_001130978.2, NM_003494.4); c.2731G>A, p.Glu911Lys (NM_001130979.2); c.2689G>A, p.Glu897Lys (NM_001130980.2, NM_001130981.2); c.2734G>A, p.Glu912Lys (NM_001130982.2); c.2599G>A, p.Glu867Lys (NM_001130984.2, NM_001130986.2); c.2692G>A, p.Glu898Lys (NM_001130985.2); short protein forms E880K, E898K, E866K, E867K, E881K, E897K, E912K, E911K.
Identifiers: ClinVar variation 288272 (VCV000288272.8), dbSNP rs886043846, ClinGen allele CA10606023.

ClinVar aggregate classification (germline): Uncertain significance. Review status: criteria provided, multiple submitters, no conflicts (2 of 4 stars). 3 submissions from 3 submitters: Uncertain significance (3). Last evaluated 2024-05-10.

Conditions:
Neuromuscular disease caused by qualitative or quantitative defects of dysferlin. Also called: Dysferlinopathy; Qualitative or quantitative defects of dysferlin. Identifiers: Orphanet 207073, MedGen C2931687, MONDO:0016145.

Submissions (3):

Labcorp Genetics (formerly Invitae), Labcorp
Classification: Uncertain significance for Neuromuscular disease caused by qualitative or quantitative defects of dysferlin. Last evaluated: 2024-05-10. Review status: criteria provided, single submitter. Criteria: Invitae Variant Classification Sherloc (09022015). Collection method: clinical testing. Allele origin: germline.
Comment: This sequence change replaces glutamic acid, which is acidic and polar, with lysine, which is basic and polar, at codon 880 of the DYSF protein (p.Glu880Lys). This variant is not present in population databases (gnomAD no frequency). This variant has not been reported in the literature in individuals affected with DYSF-related conditions. ClinVar contains an entry for this variant (Variation ID: 288272). Advanced modeling of protein sequence and biophysical properties (such as structural, functional, and spatial information, amino acid conservation, physicochemical variation, residue mobility, and thermodynamic stability) performed at Invitae indicates that this missense variant is expected to disrupt DYSF protein function with a positive predictive value of 95%. In summary, the available evidence is currently insufficient to determine the role of this variant in disease. Therefore, it has been classified as a Variant of Uncertain Significance.

Revvity Omics, Revvity
Classification: Uncertain significance. Last evaluated: 2024-03-05. Review status: criteria provided, single submitter. Criteria: ACMG Guidelines, 2015. Collection method: clinical testing. Allele origin: germline.

Eurofins Ntd Llc (ga)
Classification: Uncertain significance. Last evaluated: 2016-05-20. Review status: criteria provided, single submitter. Criteria: EGL Classification Definitions 2015. Collection method: clinical testing. Allele origin: germline. Observed: 1 variant allele, 1 heterozygote.